The following is an entry in ClinVar:

ClinVar aggregate classification (germline): Conflicting classifications of pathogenicity. Review status: criteria provided, conflicting classifications (1 of 4 stars). 2 submissions from 2 submitters: Uncertain significance (1); Benign (1). Last evaluated 2025-11-26.

Conditions:
Neuroblastoma, susceptibility to, 3. Also called: ALK-Related Neuroblastic Tumor Susceptibility. Identifiers: Orphanet 635, MedGen C2751681, MONDO:0013083, OMIM 613014.
Hereditary cancer-predisposing syndrome. Also called: Neoplastic Syndromes, Hereditary; Hereditary Cancer Syndrome; Hereditary neoplastic syndrome; Tumor predisposition. Identifiers: Orphanet 140162, MedGen C0027672, MeSH D009386, MONDO:0015356.

Allele frequency attached by ClinVar (database versions not stated): ExAC 0.00001; gnomAD 0.00001; TOPMed 0.00001; gnomAD exomes 0.00002; 1000 Genomes Project 30x 0.00016; 1000 Genomes Project 0.00020.
gnomAD v4.1: 8 of 1,614,156 alleles (0.0005%); highest among the groups gnomAD compares: East Asian, 0.011%; no homozygotes.

Submissions (2):

Labcorp Genetics (formerly Invitae), Labcorp
Classification: Uncertain significance for Neuroblastoma, susceptibility to, 3. Last evaluated: 2025-11-26. Review status: criteria provided, single submitter. Criteria: Invitae Variant Classification Sherloc (09022015). Collection method: clinical testing. Allele origin: germline.
Comment: This sequence change replaces asparagine, which is neutral and polar, with aspartic acid, which is acidic and polar, at codon 1532 of the ALK protein (p.Asn1532Asp). This variant is present in population databases (rs563126725, gnomAD 0.01%). This variant has not been reported in the literature in individuals affected with ALK-related conditions. ClinVar contains an entry for this variant (Variation ID: 847641). An algorithm developed to predict the effect of missense changes on protein structure and function (PolyPhen-2) suggests that this variant is likely to be tolerated. In summary, the available evidence is currently insufficient to determine the role of this variant in disease. Therefore, it has been classified as a Variant of Uncertain Significance.

Ambry Genetics
Classification: Benign for Hereditary cancer-predisposing syndrome. Last evaluated: 2024-12-12. Review status: criteria provided, single submitter. Criteria: Ambry Variant Classification Scheme 2023. Collection method: clinical testing. Allele origin: germline.

NM_004304.5(ALK):c.4594A>G (p.Asn1532Asp)

Gene: ALK (ALK receptor tyrosine kinase; minus strand). Cytogenetic location: 2p23.2.
Variant type: single nucleotide variant.
Coding change: c.4594A>G on transcript NM_004304.5 (MANE Select); coding-DNA position 4594, A replaced by G.
Protein change: p.Asn1532Asp; replaces asparagine 1532 with aspartic acid.
Molecular consequence: missense variant.
Genome position (GRCh38, 1-based): chr2:29,193,493, T>C on the plus strand (A>G on the coding strand, the complement: ALK is on the minus strand). VCF-style: chr2-29193493-T-C. GRCh37 (hg19) VCF-style: chr2-29416359-T-C.
Other names: c.1390A>G, p.Asn464Asp (NM_001353765.2); short protein forms N1532D, N464D.
Identifiers: ClinVar variation 847641 (VCV000847641.9), dbSNP rs563126725, ClinGen allele CA1593536.
Genomic context (GRCh38, chr2:29,193,493, plus strand): 5'-CCGGAAGTCTCCCAGTTGCAACGTTAGGTGGGACAGTACAGCTTCCCTCCAGCCCCAGGT[T>C]ACCCCTGTCGTGTGGCTCCTTCTTTGCTATAGGATTATTCTTTTTGGTGGGTTTCTCTGT-3'
Protein context (NP_004295.2, residues 1522-1542): IAKKEPHDRG[Asn1532Asp]LGLEGSCTVP